The following is an entry in ClinVar:

NM_005159.5(ACTC1):c.129+118G>A

Genes: ACTC1 (actin alpha cardiac muscle 1; minus strand), GJD2-DT (GJD2 divergent transcript; plus strand). Cytogenetic location: 15q14.
Variant type: single nucleotide variant.
Coding change: c.129+118G>A on transcript NM_005159.5 (MANE Select); 118 bases into the intron after coding-DNA position 129, G replaced by A.
Molecular consequence: intron variant.
Genome position (GRCh38, 1-based): chr15:34,794,562, C>T on the plus strand (G>A on the coding strand, the complement: ACTC1 is on the minus strand). VCF-style: chr15-34794562-C-T. GRCh37 (hg19) VCF-style: chr15-35086763-C-T.
Identifiers: ClinVar variation 675549 (VCV000675549.2), dbSNP rs78848103, ClinGen allele CA268664471.

ClinVar aggregate classification (germline): Benign. Review status: criteria provided, multiple submitters, no conflicts (2 of 4 stars). 2 submissions from 2 submitters: Benign (2). Last evaluated 2018-06-14.

Allele frequency attached by ClinVar (database versions not stated): gnomAD exomes 0.00316; gnomAD 0.03192 and 0.03440; TOPMed 0.03622; 1000 Genomes Project 0.03854; 1000 Genomes Project 30x 0.04076.
gnomAD v4.1: 8,946 of 1,381,958 alleles (0.65%); highest among the groups gnomAD compares: African/African-American, 11%; 458 homozygotes.

Submissions (2):

GeneDx
Classification: Benign. Last evaluated: 2018-06-14. Review status: criteria provided, single submitter. Criteria: GeneDx Variant Classification (06012015). Collection method: clinical testing. Allele origin: germline. Affected: yes.
Comment: This variant is considered likely benign or benign based on one or more of the following criteria: it is a conservative change, it occurs at a poorly conserved position in the protein, it is predicted to be benign by multiple in silico algorithms, and/or has population frequency not consistent with disease.

Breakthrough Genomics
Classification: Benign. Review status: criteria provided, single submitter. Criteria: ACMG Guidelines, 2015. Collection method: not provided. Allele origin: germline. Inheritance: Autosomal dominant inheritance. Affected: yes.